The following is an entry in ClinVar:

NM_014874.4(MFN2):c.474+6G>A

Gene: MFN2 (mitofusin 2; plus strand). Cytogenetic location: 1p36.22.
Variant type: single nucleotide variant.
Coding change: c.474+6G>A on transcript NM_014874.4 (MANE Select); 6 bases into the intron after coding-DNA position 474, G replaced by A.
Molecular consequence: intron variant.
Genome position (GRCh38, 1-based): chr1:11,996,324, G>A. VCF-style: chr1-11996324-G-A. GRCh37 (hg19) VCF-style: chr1-12056381-G-A.
Other names: c.474+6G>A (NM_001127660.2).
Identifiers: ClinVar variation 3061722 (VCV003061722.3), dbSNP rs575103344, ClinGen allele CA598827.
Genomic context (GRCh38, chr1:11,996,324, plus strand): 5'-TGGCCATGAGGCCTTTCTCCTTACCGAGGGCTCAGAGGAAAAGAGGAGTGCCAAGGTGAG[G>A]GTGCCAGGCTGGCTGTCAGCCCTGTGCCTGCTGGGGGAGCAAGTCCTCCGTTGTGACACG-3'

ClinVar aggregate classification (germline): Uncertain significance. Review status: criteria provided, single submitter (1 of 4 stars). 2 submissions from 2 submitters: Uncertain significance (1). 1 of the submissions does not count toward it. Last evaluated 2025-07-15.

Conditions:
MFN2-related disorder. Also called: MFN2-related disorders; MFN2-related condition.
Charcot-Marie-Tooth disease type 2. Also called: Charcot-Marie-Tooth type 2. Identifiers: Orphanet 64746, MedGen C0270914, MONDO:0018993.

Allele frequency attached by ClinVar (database versions not stated): gnomAD exomes below 0.00001; ExAC 0.00001; gnomAD 0.00001; 1000 Genomes Project 30x 0.00016; 1000 Genomes Project 0.00020.
gnomAD v4.1: 6 of 1,614,004 alleles (0.00037%); highest among the groups gnomAD compares: South Asian, 0.0033%; no homozygotes.

Submissions (2):

Labcorp Genetics (formerly Invitae), Labcorp
Classification: Uncertain significance for Charcot-Marie-Tooth disease type 2. Last evaluated: 2025-07-15. Review status: criteria provided, single submitter. Criteria: Invitae Variant Classification Sherloc (09022015). Collection method: clinical testing. Allele origin: germline.
Comment: This sequence change falls in intron 5 of the MFN2 gene. It does not directly change the encoded amino acid sequence of the MFN2 protein. It affects a nucleotide within the consensus splice site. This variant is present in population databases (rs575103344, gnomAD 0.003%). This variant has not been reported in the literature in individuals affected with MFN2-related conditions. ClinVar contains an entry for this variant (Variation ID: 3061722). Variants that disrupt the consensus splice site are a relatively common cause of aberrant splicing (PMID: 17576681, 9536098). Algorithms developed to predict the effect of sequence changes on RNA splicing suggest that this variant is not likely to affect RNA splicing. In summary, the available evidence is currently insufficient to determine the role of this variant in disease. Therefore, it has been classified as a Variant of Uncertain Significance.

PreventionGenetics, part of Exact Sciences
Classification: Likely benign for MFN2-related condition. Last evaluated: 2021-10-26. Review status: no assertion criteria provided. Collection method: clinical testing. Allele origin: germline. Not counted in ClinVar's aggregate classification.
Comment: This variant is classified as likely benign based on ACMG/AMP sequence variant interpretation guidelines (Richards et al. 2015 PMID: 25741868, with internal and published modifications).

Literature cited by the submitters: PubMed 17576681 (cited by Labcorp Genetics (formerly Invitae), Labcorp); PubMed 9536098 (cited by Labcorp Genetics (formerly Invitae), Labcorp).